The following is an entry in ClinVar:

ClinVar aggregate classification (germline): Uncertain significance (1 of 4 stars; one submission).

Conditions:
Glycogen storage disease type III (GSD3). Also called: FORBES DISEASE; Cori disease. Identifiers: Orphanet 366, MedGen C0017922, MONDO:0009291, OMIM 232400.

Submission:

Labcorp Genetics (formerly Invitae), Labcorp
Classification: Uncertain significance for Glycogen storage disease type III. Last evaluated: 2021-09-02. Review status: criteria provided, single submitter. Criteria: Invitae Variant Classification Sherloc (09022015). Collection method: clinical testing. Allele origin: germline.
Comment: This sequence change replaces cysteine with tryptophan at codon 1177 of the AGL protein (p.Cys1177Trp). The cysteine residue is moderately conserved and there is a large physicochemical difference between cysteine and tryptophan. This variant is not present in population databases (ExAC no frequency). This variant has not been reported in the literature in individuals affected with AGL-related conditions. Algorithms developed to predict the effect of missense changes on protein structure and function are either unavailable or do not agree on the potential impact of this missense change (SIFT: "Deleterious"; PolyPhen-2: "Probably Damaging"; Align-GVGD: "Class C0"). In summary, the available evidence is currently insufficient to determine the role of this variant in disease. Therefore, it has been classified as a Variant of Uncertain Significance.

NM_000642.3(AGL):c.3531C>G (p.Cys1177Trp)

Gene: AGL (amylo-alpha-1,6-glucosidase and 4-alpha-glucanotransferase; plus strand). Cytogenetic location: 1p21.2.
Variant type: single nucleotide variant.
Coding change: c.3531C>G on transcript NM_000642.3 (MANE Select); coding-DNA position 3531, C replaced by G.
Protein change: p.Cys1177Trp; replaces cysteine 1177 with tryptophan.
Molecular consequence: missense variant.
Genome position (GRCh38, 1-based): chr1:99,900,804, C>G. VCF-style: chr1-99900804-C-G. GRCh37 (hg19) VCF-style: chr1-100366360-C-G.
Other names: c.3531C>G, p.Cys1177Trp (NM_000028.3, NM_000643.3, NM_000644.3 and 1 more transcripts); c.3483C>G, p.Cys1161Trp (NM_000646.3); c.3510C>G, p.Cys1170Trp (NM_001425326.1); c.3330C>G, p.Cys1110Trp (NM_001425327.1); c.3327C>G, p.Cys1109Trp (NM_001425328.1); c.3192C>G, p.Cys1064Trp (NM_001425329.1); c.3153C>G, p.Cys1051Trp (NM_001425332.1); short protein forms C1177W, C1161W, C1051W, C1064W, C1109W, C1110W, C1170W.
Identifiers: ClinVar variation 843998 (VCV000843998.7), dbSNP rs1653766997, ClinGen allele CA341332360.